The following is an entry in ClinVar:

ClinVar aggregate classification (germline): Uncertain significance (1 of 4 stars; one submission).

Submission:

Labcorp Genetics (formerly Invitae), Labcorp
Classification: Uncertain significance. Last evaluated: 2024-09-24. Review status: criteria provided, single submitter. Criteria: Invitae Variant Classification Sherloc (09022015). Collection method: clinical testing. Allele origin: germline.
Comment: This sequence change replaces serine, which is neutral and polar, with threonine, which is neutral and polar, at codon 978 of the HIVEP2 protein (p.Ser978Thr). This variant is present in population databases (rs774709578, gnomAD 0.003%). This variant has not been reported in the literature in individuals affected with HIVEP2-related conditions. Invitae Evidence Modeling of protein sequence and biophysical properties (such as structural, functional, and spatial information, amino acid conservation, physicochemical variation, residue mobility, and thermodynamic stability) indicates that this missense variant is expected to disrupt HIVEP2 protein function with a positive predictive value of 80%. In summary, the available evidence is currently insufficient to determine the role of this variant in disease. Therefore, it has been classified as a Variant of Uncertain Significance.

NM_006734.4(HIVEP2):c.2933G>C (p.Ser978Thr)

Gene: HIVEP2 (HIVEP zinc finger 2; minus strand). Cytogenetic location: 6q24.2.
Variant type: single nucleotide variant.
Coding change: c.2933G>C on transcript NM_006734.4 (MANE Select); coding-DNA position 2933, G replaced by C.
Protein change: p.Ser978Thr; replaces serine 978 with threonine.
Molecular consequence: missense variant.
Genome position (GRCh38, 1-based): chr6:142,771,806, C>G on the plus strand (G>C on the coding strand, the complement: HIVEP2 is on the minus strand). VCF-style: chr6-142771806-C-G. GRCh37 (hg19) VCF-style: chr6-143092943-C-G.
Other names: short protein forms S978T.
Identifiers: ClinVar variation 3676282 (VCV003676282.2).
Genomic context (GRCh38, chr6:142,771,806, plus strand): 5'-TCCTGCTTAGGAAGTGCAGAAAGCTTACTGGTTTCTTCTCTTTCAAAAGACATGGAGAAA[C>G]TGGAGCTGTGGGACAAGTTGCTTTCTTGGCTGGGGCTGCGGGAGAGGCCTGTGCCTGTGG-3'
Protein context (NP_006725.3, residues 968-988): SQESNLSHSS[Ser978Thr]FSMSFEREET